The following is an entry in ClinVar:

ClinVar aggregate classification (germline): Conflicting classifications of pathogenicity. Review status: criteria provided, conflicting classifications (1 of 4 stars). 8 submissions from 7 submitters: Uncertain significance (3); Likely benign (3). 2 of the submissions do not count toward it. Last evaluated 2026-01-28.

Conditions:
Retinal dystrophy. Also called: Inherited retinal dystrophy. Identifiers: Orphanet 71862, MedGen C0854723, MeSH D058499, MONDO:0019118, HP:0000556.
CNGB3-related disorder. Also called: CNGB3-related condition; CNGB3-related disorders. Identifiers: MedGen CN239340.
Achromatopsia. Also called: Rod monochromatism. Identifiers: Orphanet 49382, MedGen C0152200, MONDO:0018852, HP:0011516.
Severe early-childhood-onset retinal dystrophy (STGD1). Also called: MACULAR DYSTROPHY WITH FLECKS, TYPE 1; STGD; Stargardt macular dystrophy; Juvenile onset macular degeneration; Stargardt disease 1. Identifiers: Orphanet 364055, Orphanet 827, MedGen C1855465, MeSH D000080362, MONDO:0009549, OMIM 248200.
Achromatopsia 3 (ACHM3). Also called: PINGELAPESE BLINDNESS; TOTAL COLORBLINDNESS WITH MYOPIA; ROD MONOCHROMACY 1; ROD MONOCHROMATISM 1; ACHROMATOPSIA WITH MYOPIA. Identifiers: Orphanet 49382, MedGen C1849792, MONDO:0009875, OMIM 262300.

Allele frequency attached by ClinVar (database versions not stated): TOPMed 0.00048; ExAC 0.00065; gnomAD 0.00066 and 0.00070; ESP Exome Variant Server 0.00092.
gnomAD v4.1: 971 of 1,583,932 alleles (0.061%); highest among the groups gnomAD compares: Non-Finnish European, 0.068%; 1 homozygote.

Submissions (8):

Labcorp Genetics (formerly Invitae), Labcorp
Classification: Likely benign. Last evaluated: 2026-01-28. Review status: criteria provided, single submitter. Criteria: Invitae Variant Classification Sherloc (09022015). Collection method: clinical testing. Allele origin: germline.

PreventionGenetics, part of Exact Sciences
Classification: Likely benign for CNGB3-related condition. Last evaluated: 2025-01-03. Review status: criteria provided, single submitter. Criteria: ACMG Guidelines, 2015. Collection method: clinical testing. Allele origin: germline.
Comment: This variant is classified as likely benign based on ACMG/AMP sequence variant interpretation guidelines (Richards et al. 2015 PMID: 25741868, with internal and published modifications).

Blueprint Genetics
Classification: Likely benign. Last evaluated: 2024-11-18. Review status: criteria provided, single submitter. Criteria: ACMG Guidelines, 2015. Collection method: clinical testing. Allele origin: germline.

CeGaT Center for Human Genetics Tuebingen
Classification: Uncertain significance. Last evaluated: 2018-06-01. Review status: criteria provided, single submitter. Criteria: CeGaT Center For Human Genetics Tuebingen Variant Classification Criteria Version 2. Collection method: clinical testing. Allele origin: germline. Affected: yes. Observed: 1 variant allele.

Illumina Laboratory Services, Illumina
Classification: Uncertain significance for Achromatopsia 3. Last evaluated: 2018-01-12. Review status: criteria provided, single submitter. Criteria: ICSL Variant Classification Criteria 13 December 2019. Collection method: clinical testing. Allele origin: germline.

Illumina Laboratory Services, Illumina
Classification: Uncertain significance for Severe early-childhood-onset retinal dystrophy. Last evaluated: 2018-01-12. Review status: criteria provided, single submitter. Criteria: ICSL Variant Classification Criteria 13 December 2019. Collection method: clinical testing. Allele origin: germline.

Institute of Human Genetics, Univ. Regensburg, Univ. Regensburg
Classification: Uncertain significance for Retinal dystrophy. Last evaluated: 2023-01-01. Review status: no assertion criteria provided. Criteria: ACMG Guidelines, 2015. Collection method: clinical testing. Allele origin: germline. Affected: yes. Not counted in ClinVar's aggregate classification.

Natera, Inc.
Classification: Uncertain significance for Achromatopsia. Last evaluated: 2020-04-14. Review status: no assertion criteria provided. Collection method: clinical testing. Allele origin: germline. Not counted in ClinVar's aggregate classification.

NM_019098.5(CNGB3):c.913G>A (p.Ala305Thr)

Gene: CNGB3 (cyclic nucleotide gated channel subunit beta 3; minus strand). Cytogenetic location: 8q21.3.
Variant type: single nucleotide variant.
Coding change: c.913G>A on transcript NM_019098.5 (MANE Select); coding-DNA position 913, G replaced by A.
Protein change: p.Ala305Thr; replaces alanine 305 with threonine.
Molecular consequence: missense variant.
Genome position (GRCh38, 1-based): chr8:86,647,878, C>T on the plus strand (G>A on the coding strand, the complement: CNGB3 is on the minus strand). VCF-style: chr8-86647878-C-T. GRCh37 (hg19) VCF-style: chr8-87660106-C-T.
Other names: short protein forms A305T.
Identifiers: ClinVar variation 363875 (VCV000363875.59), dbSNP rs144637286, ClinGen allele CA4800220.